The following is an entry in ClinVar:

NM_003072.5(SMARCA4):c.2166G>T (p.Gln722His)

Gene: SMARCA4 (SWI/SNF related BAF chromatin remodeling complex subunit ATPase 4; plus strand). Cytogenetic location: 19p13.2.
Variant type: single nucleotide variant.
Coding change: c.2166G>T on transcript NM_003072.5 (MANE Select); coding-DNA position 2166, G replaced by T.
Protein change: p.Gln722His; replaces glutamine 722 with histidine.
Molecular consequence: missense variant. On other transcripts: non-coding transcript variant (1).
Genome position (GRCh38, 1-based): chr19:11,010,423, G>T. VCF-style: chr19-11010423-G-T. GRCh37 (hg19) VCF-style: chr19-11121099-G-T.
Other names: c.2166G>T, p.Gln722His (NM_001128844.3, NM_001128845.2, NM_001128846.2 and 6 more transcripts); short protein forms Q722H.
Identifiers: ClinVar variation 1786990 (VCV001786990.2), dbSNP rs1555773282, ClinGen allele CA404052746.
Genomic context (GRCh38, chr19:11,010,423, plus strand): 5'-CCTCCATCTCACTCCCAGGAATGCCAAGCAAGATGTCGATGATGAATATGGCGTGTCCCA[G>T]GCCCTTGCACGTGGCCTGCAGTCCTACTATGCCGTGGCCCATGCTGTCACTGAGAGAGTG-3'
Protein context (NP_003063.2, residues 712-732): QDVDDEYGVS[Gln722His]ALARGLQSYY

ClinVar aggregate classification (germline): Uncertain significance (1 of 4 stars; one submission).

Conditions:
Hereditary cancer-predisposing syndrome. Also called: Neoplastic Syndromes, Hereditary; Tumor predisposition; Hereditary Cancer Syndrome; Hereditary neoplastic syndrome. Identifiers: Orphanet 140162, MedGen C0027672, MeSH D009386, MONDO:0015356.

Submission:

Ambry Genetics
Classification: Uncertain significance for Hereditary cancer-predisposing syndrome. Last evaluated: 2022-02-17. Review status: criteria provided, single submitter. Criteria: Ambry Variant Classification Scheme 2023. Collection method: clinical testing. Allele origin: germline.
Comment: The p.Q722H variant (also known as c.2166G>T), located in coding exon 14 of the SMARCA4 gene, results from a G to T substitution at nucleotide position 2166. The glutamine at codon 722 is replaced by histidine, an amino acid with highly similar properties. This amino acid position is not well conserved in available vertebrate species. In addition, this alteration is predicted to be tolerated by in silico analysis. Missense and in-frame variants in SMARCA4 are known to cause neurodevelopmental disorders; however, such associations with rhabdoid tumor predisposition syndrome including small cell carcinoma of the ovary-hypercalcemic type (SCCOHT) are exceedingly rare (Kosho T et al. Am J Med Genet C Semin Med Genet. 2014 Sep;166C(3):262-75; Jelinic P et al. Nat Genet. 2014 May;46(5):424-6). Based on the supporting evidence, the association of this alteration with Coffin-Siris syndrome is unknown; however, the association of this alteration with rhabdoid tumor predisposition syndrome is unlikely.